The following is an entry in ClinVar:

ClinVar aggregate classification (germline): Benign. Review status: criteria provided, multiple submitters, no conflicts (2 of 4 stars). 2 submissions from 2 submitters: Benign (2). Last evaluated 2018-01-13.

Conditions:
Ornithine aminotransferase deficiency (GACR). Also called: HYPERORNITHINEMIA WITH GYRATE ATROPHY OF CHOROID AND RETINA; OAT DEFICIENCY; OKT DEFICIENCY; Ornithine ketoacid aminotransferase deficiency; Gyrate atrophy; Gyrate atrophy of choroid and retina. Identifiers: Orphanet 414, MedGen C0018425, MONDO:0009796, OMIM 258870.

Allele frequency attached by ClinVar (database versions not stated): 1000 Genomes Project 30x 0.04029; 1000 Genomes Project 0.04193; gnomAD exomes 0.04688; TOPMed 0.05104; gnomAD 0.06372 and 0.06407.
gnomAD v4.1: 9,746 of 152,442 alleles (6.4%); highest among the groups gnomAD compares: Non-Finnish European, 8.4%; 433 homozygotes.

Submissions (2):

Illumina Laboratory Services, Illumina
Classification: Benign for Ornithine aminotransferase deficiency. Last evaluated: 2018-01-13. Review status: criteria provided, single submitter. Criteria: ICSL Variant Classification Criteria 13 December 2019. Collection method: clinical testing. Allele origin: germline.
Comment: This variant was observed in the ICSL laboratory as part of a predisposition screen in an ostensibly healthy population. It had not been previously curated by ICSL or reported in the Human Gene Mutation Database (HGMD: prior to June 1st, 2018), and was therefore a candidate for classification through an automated scoring system. Utilizing variant allele frequency, disease prevalence and penetrance estimates, and inheritance mode, an automated score was calculated to assess if this variant is too frequent to cause the disease. Based on the score and internal cut-off values, a variant classified as benign is not then subjected to further curation. The score for this variant resulted in a classification of benign for this disease.

Breakthrough Genomics
Classification: Benign. Review status: criteria provided, single submitter. Criteria: ACMG Guidelines, 2015. Collection method: not provided. Allele origin: germline. Inheritance: Autosomal recessive inheritance. Affected: yes.

NM_000274.4(OAT):c.*535T>C

Gene: OAT (ornithine aminotransferase; minus strand). Cytogenetic location: 10q26.13.
Variant type: single nucleotide variant.
Coding change: c.*535T>C on transcript NM_000274.4 (MANE Select); 535 bases downstream of the stop codon, T replaced by C.
Molecular consequence: 3 prime UTR variant.
Genome position (GRCh38, 1-based): chr10:124,397,407, A>G on the plus strand (T>C on the coding strand, the complement: OAT is on the minus strand). VCF-style: chr10-124397407-A-G. GRCh37 (hg19) VCF-style: chr10-126085976-A-G.
Other names: c.*535T>C (NM_001171814.2, NM_001322965.2, NM_001322966.2 and 6 more transcripts).
Identifiers: ClinVar variation 299162 (VCV000299162.6), dbSNP rs8182, ClinGen allele CA10631167.